The following is an entry in ClinVar:

ClinVar aggregate classification (germline): Uncertain significance. Review status: criteria provided, multiple submitters, no conflicts (2 of 4 stars). 2 submissions from 2 submitters: Uncertain significance (2). Last evaluated 2025-07-21.

Conditions:
Inborn genetic diseases. Identifiers: MedGen C0950123, MeSH D030342.

Allele frequency attached by ClinVar (database versions not stated): gnomAD 0.00001 and 0.00002; gnomAD exomes 0.00002 and 0.00004; TOPMed 0.00005; ExAC 0.00008; ESP Exome Variant Server 0.00023.
gnomAD v4.1: 40 of 1,599,242 alleles (0.0025%); highest among the groups gnomAD compares: Non-Finnish European, 0.00069%; no homozygotes.

Submissions (2):

Labcorp Genetics (formerly Invitae), Labcorp
Classification: Uncertain significance. Last evaluated: 2025-07-21. Review status: criteria provided, single submitter. Criteria: Invitae Variant Classification Sherloc (09022015). Collection method: clinical testing. Allele origin: germline.
Comment: This sequence change replaces lysine, which is basic and polar, with asparagine, which is neutral and polar, at codon 257 of the GUCY2C protein (p.Lys257Asn). This variant is present in population databases (rs373438685, gnomAD 0.09%). This variant has not been reported in the literature in individuals affected with GUCY2C-related conditions. ClinVar contains an entry for this variant (Variation ID: 1356916). Invitae Evidence Modeling of protein sequence and biophysical properties (such as structural, functional, and spatial information, amino acid conservation, physicochemical variation, residue mobility, and thermodynamic stability) indicates that this missense variant is not expected to disrupt GUCY2C protein function with a negative predictive value of 80%. In summary, the available evidence is currently insufficient to determine the role of this variant in disease. Therefore, it has been classified as a Variant of Uncertain Significance.

Ambry Genetics
Classification: Uncertain significance for Inborn genetic diseases. Last evaluated: 2023-04-05. Review status: criteria provided, single submitter. Criteria: Ambry Variant Classification Scheme 2023. Collection method: clinical testing. Allele origin: germline.

NM_004963.4(GUCY2C):c.771G>C (p.Lys257Asn)

Genes: GUCY2C-AS1 (GUCY2C antisense RNA 1; plus strand), GUCY2C (guanylate cyclase 2C; minus strand). Cytogenetic location: 12p12.3.
Variant type: single nucleotide variant.
Coding change: c.771G>C on transcript NM_004963.4 (MANE Select); coding-DNA position 771, G replaced by C.
Protein change: p.Lys257Asn; replaces lysine 257 with asparagine.
Molecular consequence: missense variant.
Genome position (GRCh38, 1-based): chr12:14,679,716, C>G on the plus strand (G>C on the coding strand, the complement: GUCY2C is on the minus strand). VCF-style: chr12-14679716-C-G. GRCh37 (hg19) VCF-style: chr12-14832650-C-G.
Other names: c.771G>C (NM_004963.3); short protein forms K257N.
Identifiers: ClinVar variation 1356916 (VCV001356916.7), dbSNP rs373438685, ClinGen allele CA6463658.
Genomic context (GRCh38, chr12:14,679,716, plus strand): 5'-CTTGAAAAGATCCACTAGAATAATGACAATGTCTTCAGCCACTGCTCGGTCACCCTTCAG[C>G]TTGTAGAGGAACTCTGGACCACCACACATAATAATCACTGGAGGAGAAGGTAAGACAAGG-3'
Protein context (NP_004954.2, residues 247-267): IMCGGPEFLY[Lys257Asn]LKGDRAVAED